The following is an entry in ClinVar:

ClinVar aggregate classification (germline): Uncertain significance (1 of 4 stars; one submission).

Conditions:
Malignant hyperthermia, susceptibility to, 5 (MHS5). Also called: CACNA1S-Related Malignant Hyperthermia Susceptibility. Identifiers: Orphanet 423, MedGen C1866077, MONDO:0011163, OMIM 601887.

Allele frequency attached by ClinVar (database versions not stated): gnomAD exomes below 0.00001; TOPMed below 0.00001; gnomAD 0.00001.

Submission:

All of Us Research Program, National Institutes of Health
Classification: Uncertain significance for Malignant hyperthermia, susceptibility to, 5. Last evaluated: 2023-03-28. Review status: criteria provided, single submitter. Criteria: ACMG Guidelines, 2015. Collection method: clinical testing. Allele origin: germline. Inheritance: Autosomal dominant inheritance. Observed: 1 variant allele, 1 heterozygote.
Comment: This study involves interpretation of variants in research participants for the purpose of population health screening. Participant phenotype was not available at the time of variant classification. Additional details can be found in publication PMID: 35346344, PMCID: PMC8962531

NM_000069.3(CACNA1S):c.3128T>C (p.Ile1043Thr)

Gene: CACNA1S (calcium voltage-gated channel subunit alpha1 S; minus strand). Cytogenetic location: 1q32.1.
Variant type: single nucleotide variant.
Coding change: c.3128T>C on transcript NM_000069.3 (MANE Select); coding-DNA position 3128, T replaced by C.
Protein change: p.Ile1043Thr; replaces isoleucine 1043 with threonine.
Molecular consequence: missense variant.
Genome position (GRCh38, 1-based): chr1:201,061,394, A>G on the plus strand (T>C on the coding strand, the complement: CACNA1S is on the minus strand). VCF-style: chr1-201061394-A-G. GRCh37 (hg19) VCF-style: chr1-201030522-A-G.
Other names: short protein forms I1043T.
Identifiers: ClinVar variation 3069947 (VCV003069947.1), dbSNP rs1410657777, ClinGen allele CA344162531.